The following is an entry in ClinVar:

ClinVar aggregate classification (germline): Benign/Likely benign. Review status: criteria provided, multiple submitters, no conflicts (2 of 4 stars). 5 submissions from 5 submitters: Benign (1); Likely benign (3). 1 of the submissions does not count toward it. Last evaluated 2026-01-15.

Conditions:
DIAPH3-related disorder. Also called: DIAPH3-related condition.

Allele frequency attached by ClinVar (database versions not stated): 1000 Genomes Project 30x 0.00016; 1000 Genomes Project 0.00020; gnomAD 0.00113 and 0.00133; gnomAD exomes 0.00122 and 0.00211; ExAC 0.00126; ESP Exome Variant Server 0.00140; TOPMed 0.00159.
gnomAD v4.1: 3,266 of 1,614,130 alleles (0.2%); highest among the groups gnomAD compares: Non-Finnish European, 0.25%; 6 homozygotes.

Submissions (5):

Labcorp Genetics (formerly Invitae), Labcorp
Classification: Likely benign. Last evaluated: 2026-01-15. Review status: criteria provided, single submitter. Criteria: Invitae Variant Classification Sherloc (09022015). Collection method: clinical testing. Allele origin: germline.

Mayo Clinic Laboratories, Mayo Clinic
Classification: Benign. Last evaluated: 2025-04-02. Review status: criteria provided, single submitter. Criteria: ACMG Guidelines, 2015. Collection method: clinical testing. Allele origin: germline. Observed: 1 variant allele.
Comment: BA1

Blueprint Genetics
Classification: Likely benign. Last evaluated: 2024-11-27. Review status: criteria provided, single submitter. Criteria: ACMG Guidelines, 2015. Collection method: clinical testing. Allele origin: germline.

GeneDx
Classification: Likely benign. Last evaluated: 2021-01-15. Review status: criteria provided, single submitter. Criteria: GeneDx Variant Classification Process June 2021. Collection method: clinical testing. Allele origin: germline. Affected: yes.

PreventionGenetics, part of Exact Sciences
Classification: Likely benign for DIAPH3-related condition. Last evaluated: 2020-03-09. Review status: no assertion criteria provided. Collection method: clinical testing. Allele origin: germline. Not counted in ClinVar's aggregate classification.
Comment: This variant is classified as likely benign based on ACMG/AMP sequence variant interpretation guidelines (Richards et al. 2015 PMID: 25741868, with internal and published modifications).

NM_001042517.2(DIAPH3):c.3227G>A (p.Arg1076His)

Gene: DIAPH3 (diaphanous related formin 3; minus strand). Cytogenetic location: 13q21.2.
Variant type: single nucleotide variant.
Coding change: c.3227G>A on transcript NM_001042517.2 (MANE Select); coding-DNA position 3227, G replaced by A.
Protein change: p.Arg1076His; replaces arginine 1076 with histidine.
Molecular consequence: missense variant.
Genome position (GRCh38, 1-based): chr13:59,774,760, C>T on the plus strand (G>A on the coding strand, the complement: DIAPH3 is on the minus strand). VCF-style: chr13-59774760-C-T. GRCh37 (hg19) VCF-style: chr13-60348894-C-T.
Other names: p.Arg1076His; c.3194G>A, p.Arg1065His (NM_001258366.2); c.3089G>A, p.Arg1030His (NM_001258367.2); c.3017G>A, p.Arg1006His (NM_001258368.2); c.3227G>A, p.Arg1076His (NM_001258369.2); c.2438G>A, p.Arg813His (NM_030932.4); short protein forms R1076H, R1065H, R1030H, R813H, R1006H.
Identifiers: ClinVar variation 391599 (VCV000391599.15), dbSNP rs200654315, ClinGen allele CA6996119.